The following is an entry in ClinVar:

NM_033380.3(COL4A5):c.440G>A (p.Gly147Glu)

Gene: COL4A5 (collagen type IV alpha 5 chain; plus strand). Cytogenetic location: Xq22.3.
Variant type: single nucleotide variant.
Coding change: c.440G>A on transcript NM_033380.3 (MANE Select); coding-DNA position 440, G replaced by A.
Protein change: p.Gly147Glu; replaces glycine 147 with glutamic acid.
Molecular consequence: missense variant.
Genome position (GRCh38, 1-based): chrX:108,571,812, G>A. VCF-style: chrX-108571812-G-A. GRCh37 (hg19) VCF-style: chrX-107815042-G-A.
Other names: c.440G>A, p.Gly147Glu (NM_000495.5); short protein forms G147E.
Identifiers: ClinVar variation 2007884 (VCV002007884.4), dbSNP rs2524209758, ClinGen allele CA413920341.

ClinVar aggregate classification (germline): Likely pathogenic (1 of 4 stars; one submission).

Submission:

Labcorp Genetics (formerly Invitae), Labcorp
Classification: Likely pathogenic. Last evaluated: 2023-05-22. Review status: criteria provided, single submitter. Criteria: Invitae Variant Classification Sherloc (09022015). Collection method: clinical testing. Allele origin: germline.
Comment: This sequence change replaces glycine, which is neutral and non-polar, with glutamic acid, which is acidic and polar, at codon 147 of the COL4A5 protein (p.Gly147Glu). This variant is not present in population databases (gnomAD no frequency). This missense change has been observed in individual(s) with clinical features of Alport syndrome (Invitae). ClinVar contains an entry for this variant (Variation ID: 2007884). Experimental studies and prediction algorithms are not available or were not evaluated, and the functional significance of this variant is currently unknown. This variant disrupts the triple helix domain of COL4A5. Glycine residues within the Gly-Xaa-Yaa repeats of the triple helix domain are required for the structure and stability of fibrillar collagens (PMID: 7695699, 8218237, 19344236). In COL4A5, missense variants at these glycine residues are significantly enriched in individuals with disease (PMID: 23720012, 27627812) compared to the general population (ExAC). This variant disrupts the p.Gly147 amino acid residue in COL4A5. Other variant(s) that disrupt this residue have been observed in individuals with COL4A5-related conditions (Invitae), which suggests that this may be a clinically significant amino acid residue. In summary, the currently available evidence indicates that the variant is pathogenic, but additional data are needed to prove that conclusively. Therefore, this variant has been classified as Likely Pathogenic.

Literature cited by the submitters: PubMed 7695699; PubMed 8218237; PubMed 19344236; PubMed 23720012; PubMed 27627812.